The following is an entry in ClinVar:

ClinVar aggregate classification (germline): Uncertain significance (1 of 4 stars; one submission).

Conditions:
Spermatogenic failure 18. Identifiers: MedGen C4539783, MONDO:0054615, OMIM 617576.
Ciliary dyskinesia, primary, 37 (CILD37). Also called: CILIARY DYSKINESIA, PRIMARY, 37, WITH OR WITHOUT SITUS INVERSUS. Identifiers: MedGen C4539798, MONDO:0033204, OMIM 617577.

Allele frequency attached by ClinVar (database versions not stated): TOPMed 0.00004.
gnomAD v4.1: 6 of 1,613,514 alleles (0.00037%); highest among the groups gnomAD compares: East Asian, 0.013%; no homozygotes.

Submission:

Labcorp Genetics (formerly Invitae), Labcorp
Classification: Uncertain significance for Ciliary dyskinesia, primary, 37; Spermatogenic failure 18. Last evaluated: 2022-02-04. Review status: criteria provided, single submitter. Criteria: Invitae Variant Classification Sherloc (09022015). Collection method: clinical testing. Allele origin: germline.
Comment: This variant has not been reported in the literature in individuals affected with DNAH1-related conditions. In summary, the available evidence is currently insufficient to determine the role of this variant in disease. Therefore, it has been classified as a Variant of Uncertain Significance. Algorithms developed to predict the effect of missense changes on protein structure and function are either unavailable or do not agree on the potential impact of this missense change (SIFT: "Deleterious"; PolyPhen-2: "Probably Damaging"; Align-GVGD: "Class C0"). ClinVar contains an entry for this variant (Variation ID: 662524). This variant is present in population databases (rs750820564, gnomAD 0.02%). This sequence change replaces arginine, which is basic and polar, with glycine, which is neutral and non-polar, at codon 3132 of the DNAH1 protein (p.Arg3132Gly).

NM_015512.5(DNAH1):c.9394C>G (p.Arg3132Gly)

Gene: DNAH1 (dynein axonemal heavy chain 1; plus strand). Cytogenetic location: 3p21.1.
Variant type: single nucleotide variant.
Coding change: c.9394C>G on transcript NM_015512.5 (MANE Select); coding-DNA position 9394, C replaced by G.
Protein change: p.Arg3132Gly; replaces arginine 3132 with glycine.
Molecular consequence: missense variant.
Genome position (GRCh38, 1-based): chr3:52,388,836, C>G. VCF-style: chr3-52388836-C-G. GRCh37 (hg19) VCF-style: chr3-52422852-C-G.
Other names: short protein forms R3132G.
Identifiers: ClinVar variation 662524 (VCV000662524.6), dbSNP rs750820564, ClinGen allele CA2435519.